The following is an entry in ClinVar:

NM_001164508.2(NEB):c.4719+2T>A

Gene: NEB (nebulin; minus strand). Cytogenetic location: 2q23.3.
Variant type: single nucleotide variant.
Coding change: c.4719+2T>A on transcript NM_001164508.2 (MANE Select); the canonical splice donor site of the intron after coding-DNA position 4719, T replaced by A.
Molecular consequence: splice donor variant.
Genome position (GRCh38, 1-based): chr2:151,667,802, A>T on the plus strand (T>A on the coding strand, the complement: NEB is on the minus strand). VCF-style: chr2-151667802-A-T. GRCh37 (hg19) VCF-style: chr2-152524316-A-T.
Other names: c.4719+2T>A (NM_004543.5, NM_001164507.2, NM_001271208.2).
Identifiers: ClinVar variation 2963955 (VCV002963955.4), dbSNP rs1553501889, ClinGen allele CA348814170.
Genomic context (GRCh38, chr2:151,667,802, plus strand): 5'-GCTGGTCTTGAACTCCTGAAGTCTTTTAGATAGAAAGTTTCCTACTTTTAAGTTAGACTT[A>T]CATCACTAGCAATATTCCTTGAACTTTTTGCAGCAACAATTGGGATGGCATCTGGTCTCA-3'

ClinVar aggregate classification (germline): Likely pathogenic. Review status: criteria provided, multiple submitters, no conflicts (2 of 4 stars). 2 submissions from 2 submitters: Likely pathogenic (2). Last evaluated 2024-01-05.

Conditions:
Nemaline myopathy 2 (NEM2). Also called: Nemaline myopathy 2, autosomal recessive. Identifiers: MedGen C1850569, MONDO:0009725, OMIM 256030.
Arthrogryposis multiplex congenita 6. Identifiers: MedGen C5543431, MONDO:0030281, OMIM 619334.

Submissions (2):

Fulgent Genetics
Classification: Likely pathogenic for Nemaline myopathy 2; Arthrogryposis multiplex congenita 6. Last evaluated: 2024-01-05. Review status: criteria provided, single submitter. Criteria: ACMG Guidelines, 2015. Collection method: clinical testing. Allele origin: germline.

Labcorp Genetics (formerly Invitae), Labcorp
Classification: Likely pathogenic for Nemaline myopathy 2. Last evaluated: 2023-11-28. Review status: criteria provided, single submitter. Criteria: Invitae Variant Classification Sherloc (09022015). Collection method: clinical testing. Allele origin: germline.
Comment: This sequence change affects a donor splice site in intron 40 of the NEB gene. It is expected to disrupt RNA splicing. Variants that disrupt the donor or acceptor splice site typically lead to a loss of protein function (PMID: 16199547), and loss-of-function variants in NEB are known to be pathogenic (PMID: 25205138). This variant is not present in population databases (gnomAD no frequency). This variant has not been reported in the literature in individuals affected with NEB-related conditions. Algorithms developed to predict the effect of sequence changes on RNA splicing suggest that this variant may disrupt the consensus splice site. In summary, the currently available evidence indicates that the variant is pathogenic, but additional data are needed to prove that conclusively. Therefore, this variant has been classified as Likely Pathogenic.

Literature cited by the submitters: PubMed 16199547 (cited by Labcorp Genetics (formerly Invitae), Labcorp); PubMed 25205138 (cited by Labcorp Genetics (formerly Invitae), Labcorp).